The following is an entry in ClinVar:

ClinVar aggregate classification (germline): Pathogenic (1 of 4 stars; one submission).

Conditions:
GLB1-related disorder. Also called: GLB1-related disorders. Identifiers: MedGen CN377807.

Submission:

Myriad Genetics, Inc.
Classification: Pathogenic for GLB1-related disorder. Last evaluated: 2026-06-16. Review status: criteria provided, single submitter. Criteria: Myriad Autosomal Dominant, Autosomal Recessive and X-Linked Classification Criteria (2023). Collection method: clinical testing. Allele origin: unknown.
Comment: NM_000404.2(GLB1):c.601_611del11(R201Efs*10) is a frameshift variant classified as pathogenic in the context of GLB1-related disorders. R201Efs*10 has not been observed in cases with relevant disease. Relevant functional assessments of this variant are not available in the literature. R201Efs*10 has not been observed in referenced population frequency databases. In summary, NM_000404.2(GLB1):c.601_611del11(R201Efs*10) is a frameshift variant in a gene where loss of function is a known mechanism of disease and is predicted to disrupt protein function. Please note: this variant was assessed in the context of healthy population screening.

NM_000404.4(GLB1):c.601_611del (p.Arg201fs)

Gene: GLB1 (galactosidase beta 1; minus strand). Cytogenetic location: 3p22.3.
Variant type: Deletion.
Coding change: c.601_611del on transcript NM_000404.4 (MANE Select); coding-DNA positions 601 to 611, 11 bases deleted (CGCTTCCTGCA).
Protein change: p.Arg201fs; shifts the reading frame from arginine 201.
Molecular consequence: frameshift variant. On other transcripts: intron variant (1).
Genome position (GRCh38, 1-based): chr3:33,058,211-33,058,221, TGCAGGAAGCG deleted on the plus strand (CGCTTCCTGCA on the coding strand, the reverse complement: GLB1 is on the minus strand). VCF-style (leftmost placement, unchanged base first): chr3-33058210-CTGCAGGAAGCG-C. GRCh37 (hg19) VCF-style: chr3-33099702-CTGCAGGAAGCG-C.
Other names: c.511_521del, p.Arg171fs (NM_001079811.3); c.745_755del, p.Arg249fs (NM_001317040.2); c.601_611del, p.Arg201fs (NM_001393580.1); c.341-4672_341-4662del (NM_001135602.3); short protein forms R171fs, R249fs, R201fs.
Identifiers: ClinVar variation 5004031 (VCV005004031.1).